The following is an entry in ClinVar:

ClinVar aggregate classification (germline): Uncertain significance. Review status: criteria provided, multiple submitters, no conflicts (2 of 4 stars). 2 submissions from 2 submitters: Uncertain significance (2). Last evaluated 2024-12-16.

Allele frequency attached by ClinVar (database versions not stated): gnomAD exomes below 0.00001; gnomAD 0.00001; TOPMed 0.00005.
gnomAD v4.1: 5 of 1,612,758 alleles (0.00031%); highest among the groups gnomAD compares: Admixed American, 0.005%; no homozygotes.

Submissions (2):

Ambry Genetics
Classification: Uncertain significance. Last evaluated: 2024-12-16. Review status: criteria provided, single submitter. Criteria: Ambry Variant Classification Scheme 2023. Collection method: clinical testing. Allele origin: germline.

Labcorp Genetics (formerly Invitae), Labcorp
Classification: Uncertain significance. Last evaluated: 2022-05-21. Review status: criteria provided, single submitter. Criteria: Invitae Variant Classification Sherloc (09022015). Collection method: clinical testing. Allele origin: germline.
Comment: In summary, the available evidence is currently insufficient to determine the role of this variant in disease. Therefore, it has been classified as a Variant of Uncertain Significance. Algorithms developed to predict the effect of missense changes on protein structure and function (SIFT, PolyPhen-2, Align-GVGD) all suggest that this variant is likely to be disruptive. This variant has not been reported in the literature in individuals affected with FAT2-related conditions. This variant is not present in population databases (gnomAD no frequency). This sequence change replaces aspartic acid, which is acidic and polar, with glycine, which is neutral and non-polar, at codon 3191 of the FAT2 protein (p.Asp3191Gly).

NM_001447.3(FAT2):c.9572A>G (p.Asp3191Gly)

Genes: FAT2 (FAT atypical cadherin 2; minus strand), SLC36A1 (solute carrier family 36 member 1; plus strand). Cytogenetic location: 5q33.1.
Variant type: single nucleotide variant.
Coding change: c.9572A>G on transcript NM_001447.3 (MANE Select); coding-DNA position 9572, A replaced by G.
Protein change: p.Asp3191Gly; replaces aspartic acid 3191 with glycine.
Molecular consequence: missense variant.
Genome position (GRCh38, 1-based): chr5:151,531,826, T>C on the plus strand (A>G on the coding strand, the complement: FAT2 is on the minus strand). VCF-style: chr5-151531826-T-C. GRCh37 (hg19) VCF-style: chr5-150911387-T-C.
Other names: c.9572A>G (NM_001447.2); short protein forms D3191G.
Identifiers: ClinVar variation 2152541 (VCV002152541.5), dbSNP rs892304697, ClinGen allele CA129941466.